The following is an entry in ClinVar:

NM_005359.6(SMAD4):c.1000C>A (p.Gln334Lys)

Gene: SMAD4 (SMAD family member 4; plus strand). Cytogenetic location: 18q21.2.
Variant type: single nucleotide variant.
Coding change: c.1000C>A on transcript NM_005359.6 (MANE Select); coding-DNA position 1000, C replaced by A.
Protein change: p.Gln334Lys; replaces glutamine 334 with lysine.
Molecular consequence: missense variant. On other transcripts: non-coding transcript variant (2).
Genome position (GRCh38, 1-based): chr18:51,065,467, C>A. VCF-style: chr18-51065467-C-A. GRCh37 (hg19) VCF-style: chr18-48591837-C-A.
Other names: c.1000C>A, p.Gln334Lys (NM_001407041.1, NM_001407042.1, NM_001407043.1); short protein forms Q334K.
Identifiers: ClinVar variation 3386029 (VCV003386029.1).

ClinVar aggregate classification (germline): Uncertain significance (1 of 4 stars; one submission).

Conditions:
Juvenile polyposis/hereditary hemorrhagic telangiectasia syndrome (JPHT). Also called: JP/HHT SYNDROME; JUVENILE POLYPOSIS WITH HEREDITARY HEMORRHAGIC TELANGIECTASIA; POLYPOSIS, GENERALIZED JUVENILE, WITH PULMONARY ARTERIOVENOUS MALFORMATION; TELANGIECTASIA, HEREDITARY HEMORRHAGIC, WITH JUVENILE POLYPOSIS COLI; Juvenile Polyposis Syndrome / Hereditary Hemorrhagic Telangiectasia (JPS/HHT). Identifiers: Orphanet 2929, MedGen C1832942, MONDO:0008278, OMIM 175050.

Submission:

All of Us Research Program, National Institutes of Health
Classification: Uncertain significance for Juvenile polyposis/hereditary hemorrhagic telangiectasia syndrome. Last evaluated: 2024-08-06. Review status: criteria provided, single submitter. Criteria: ACMG Guidelines, 2015. Collection method: clinical testing. Allele origin: germline. Inheritance: Autosomal dominant inheritance. Observed: 1 variant allele, 1 heterozygote.
Comment: This study involves interpretation of variants in research participants for the purpose of population health screening. Participant phenotype was not available at the time of variant classification. Additional details can be found in publication PMID: 35346344, PMCID: PMC8962531